The following is an entry in ClinVar:

ClinVar aggregate classification (germline): Uncertain significance (1 of 4 stars; one submission).

Conditions:
Inborn genetic diseases. Identifiers: MedGen C0950123, MeSH D030342.

gnomAD v4.1: 11 of 1,613,992 alleles (0.00068%); highest among the groups gnomAD compares: Non-Finnish European, 0.00085%; no homozygotes.

Submission:

Ambry Genetics
Classification: Uncertain significance for Inborn genetic diseases. Last evaluated: 2025-01-08. Review status: criteria provided, single submitter. Criteria: Ambry Variant Classification Scheme 2023. Collection method: clinical testing. Allele origin: germline.
Comment: The p.P253R variant (also known as c.758C>G), located in coding exon 5 of the ETV6 gene, results from a C to G substitution at nucleotide position 758. The proline at codon 253 is replaced by arginine, an amino acid with dissimilar properties. This amino acid position is conserved. In addition, this alteration is predicted to be tolerated by in silico analysis. Based on the available evidence, the clinical significance of this variant remains unclear.

NM_001987.5(ETV6):c.758C>G (p.Pro253Arg)

Gene: ETV6 (ETS variant transcription factor 6; plus strand). Cytogenetic location: 12p13.2.
Variant type: single nucleotide variant.
Coding change: c.758C>G on transcript NM_001987.5 (MANE Select); coding-DNA position 758, C replaced by G.
Protein change: p.Pro253Arg; replaces proline 253 with arginine.
Molecular consequence: missense variant.
Genome position (GRCh38, 1-based): chr12:11,869,718, C>G. VCF-style: chr12-11869718-C-G. GRCh37 (hg19) VCF-style: chr12-12022652-C-G.
Other names: c.755C>G, p.Pro252Arg (NM_001413913.1); c.731C>G, p.Pro244Arg (NM_001413914.1); c.494C>G, p.Pro165Arg (NM_001413915.1); c.758C>G, p.Pro253Arg (NM_001413916.1, NM_001413917.1); short protein forms P252R, P244R, P253R, P165R.
Identifiers: ClinVar variation 3846465 (VCV003846465.1).
Genomic context (GRCh38, chr12:11,869,718, plus strand): 5'-ACCCTCTGTCAGTGTCTCCCATGGAGAATAATCACTGCCCAGCGTCCTCCGAGTCCCACC[C>G]GAAGCCATCCAGCCCCCGGCAGGAGAGCACACGCGTGATCCAGCTGATGCCCAGCCCCAT-3'
Protein context (NP_001978.1, residues 243-263): NHCPASSESH[Pro253Arg]KPSSPRQEST